The following is an entry in ClinVar:

ClinVar aggregate classification (germline): Conflicting classifications of pathogenicity. Review status: criteria provided, conflicting classifications (1 of 4 stars). 2 submissions from 2 submitters: Uncertain significance (1); Likely benign (1). Last evaluated 2024-08-03.

Conditions:
DYRK1A-related intellectual disability syndrome (MRD7). Also called: DYRK1A Syndrome; Intellectual developmental disorder, autosomal dominant 7. Identifiers: Orphanet 464306, MedGen C5568143, MONDO:0013578, OMIM 614104.

Allele frequency attached by ClinVar (database versions not stated): gnomAD exomes below 0.00001; TOPMed 0.00001.

Submissions (2):

Labcorp Genetics (formerly Invitae), Labcorp
Classification: Likely benign for DYRK1A-related intellectual disability syndrome. Last evaluated: 2024-08-03. Review status: criteria provided, single submitter. Criteria: Invitae Variant Classification Sherloc (09022015). Collection method: clinical testing. Allele origin: germline.

GeneDx
Classification: Uncertain significance. Last evaluated: 2020-01-31. Review status: criteria provided, single submitter. Criteria: GeneDx Variant Classification Process June 2021. Collection method: clinical testing. Allele origin: germline. Affected: yes.
Comment: Not observed in large population cohorts (Lek et al., 2016); In silico analysis supports that this missense variant has a deleterious effect on protein structure/function; In-silico analysis, which includes splice predictors and evolutionary conservation, is inconclusive as to whether the variant alters gene splicing. In the absence of RNA/functional studies, the actual effect of this sequence change is unknown; Has not been previously published as pathogenic or benign to our knowledge

NM_001347721.2(DYRK1A):c.1210C>T (p.Arg404Trp)

Gene: DYRK1A (dual specificity tyrosine phosphorylation regulated kinase 1A; plus strand). Cytogenetic location: 21q22.13.
Variant type: single nucleotide variant.
Coding change: c.1210C>T on transcript NM_001347721.2 (MANE Select); coding-DNA position 1210, C replaced by T.
Protein change: p.Arg404Trp; replaces arginine 404 with tryptophan.
Molecular consequence: missense variant.
Genome position (GRCh38, 1-based): chr21:37,496,256, C>T. VCF-style: chr21-37496256-C-T. GRCh37 (hg19) VCF-style: chr21-38868558-C-T.
Other names: c.1210C>T, p.Arg404Trp (NM_001347722.2, NM_130436.2); c.1123C>T, p.Arg375Trp (NM_001347723.2); c.1237C>T, p.Arg413Trp (NM_001396.5, NM_101395.2, NM_130438.2); short protein forms R375W, R404W, R413W.
Identifiers: ClinVar variation 1315127 (VCV001315127.7), dbSNP rs918289557, ClinGen allele CA320457214.